The following is an entry in ClinVar:

NM_002467.6(MYC):c.438G>A (p.Gln146=)

Gene: MYC (MYC proto-oncogene, bHLH transcription factor; plus strand). Cytogenetic location: 8q24.21.
Variant type: single nucleotide variant.
Coding change: c.438G>A on transcript NM_002467.6 (MANE Select); coding-DNA position 438, G replaced by A.
Protein change: p.Gln146=; no amino-acid change (glutamine 146 retained).
Molecular consequence: synonymous variant.
Genome position (GRCh38, 1-based): chr8:127,738,655, G>A. VCF-style: chr8-127738655-G-A. GRCh37 (hg19) VCF-style: chr8-128750901-G-A.
Other names: c.435G>A, p.Gln145= (NM_001354870.1).
Identifiers: ClinVar variation 3058659 (VCV003058659.2), dbSNP rs760785153, ClinGen allele CA4875285.

ClinVar aggregate classification (germline): Likely benign (0 of 4 stars; one submission).

Conditions:
MYC-related disorder. Also called: MYC-related condition.

Allele frequency attached by ClinVar (database versions not stated): gnomAD exomes 0.00001; gnomAD 0.00003; TOPMed 0.00005; ExAC 0.00009.
gnomAD v4.1: 18 of 1,614,020 alleles (0.0011%); highest among the groups gnomAD compares: East Asian, 0.033%; no homozygotes.

Submission:

PreventionGenetics, part of Exact Sciences
Classification: Likely benign for MYC-related condition. Last evaluated: 2019-02-22. Review status: no assertion criteria provided. Collection method: clinical testing. Allele origin: germline.
Comment: This variant is classified as likely benign based on ACMG/AMP sequence variant interpretation guidelines (Richards et al. 2015 PMID: 25741868, with internal and published modifications).